The following is an entry in ClinVar:

ClinVar aggregate classification (germline): Uncertain significance (1 of 4 stars; one submission).

Submission:

Labcorp Genetics (formerly Invitae), Labcorp
Classification: Uncertain significance. Last evaluated: 2025-12-01. Review status: criteria provided, single submitter. Criteria: Invitae Variant Classification Sherloc (09022015). Collection method: clinical testing. Allele origin: germline.
Comment: This sequence change replaces glycine, which is neutral and non-polar, with alanine, which is neutral and non-polar, at codon 210 of the ATP1A1 protein (p.Gly210Ala). This variant is not present in population databases (gnomAD no frequency). This variant has not been reported in the literature in individuals affected with ATP1A1-related conditions. Invitae Evidence Modeling of protein sequence and biophysical properties (such as structural, functional, and spatial information, amino acid conservation, physicochemical variation, residue mobility, and thermodynamic stability) indicates that this missense variant is not expected to disrupt ATP1A1 protein function with a negative predictive value of 95%. In summary, the available evidence is currently insufficient to determine the role of this variant in disease. Therefore, it has been classified as a Variant of Uncertain Significance.

NM_000701.8(ATP1A1):c.629G>C (p.Gly210Ala)

Gene: ATP1A1 (ATPase Na+/K+ transporting subunit alpha 1; plus strand). Cytogenetic location: 1p13.1.
Variant type: single nucleotide variant.
Coding change: c.629G>C on transcript NM_000701.8 (MANE Select); coding-DNA position 629, G replaced by C.
Protein change: p.Gly210Ala; replaces glycine 210 with alanine.
Molecular consequence: missense variant.
Genome position (GRCh38, 1-based): chr1:116,388,765, G>C. VCF-style: chr1-116388765-G-C. GRCh37 (hg19) VCF-style: chr1-116931387-G-C.
Other names: c.629G>C, p.Gly210Ala (NM_001160233.2); c.536G>C, p.Gly179Ala (NM_001160234.2); short protein forms G210A, G179A.
Identifiers: ClinVar variation 4746697 (VCV004746697.1).
Genomic context (GRCh38, chr1:116,388,765, plus strand): 5'-TGGTGGAAGTAAAAGGAGGAGACCGAATTCCTGCTGACCTCAGAATCATATCTGCAAATG[G>C]CTGCAAGGTAGCTCTTTTATTTTAACAAACCTCATAGCTAGCTCTGCTGTTCGGGCAGCT-3'
Protein context (NP_000692.2, residues 200-220): PADLRIISAN[Gly210Ala]CKVDNSSLTG